The following is an entry in ClinVar:

NM_004859.4(CLTC):c.3078C>T (p.Asn1026=)

Gene: CLTC (clathrin heavy chain; plus strand). Cytogenetic location: 17q23.1.
Variant type: single nucleotide variant.
Coding change: c.3078C>T on transcript NM_004859.4 (MANE Select); coding-DNA position 3078, C replaced by T.
Protein change: p.Asn1026=; no amino-acid change (asparagine 1026 retained).
Molecular consequence: synonymous variant.
Genome position (GRCh38, 1-based): chr17:59,681,307, C>T. VCF-style: chr17-59681307-C-T. GRCh37 (hg19) VCF-style: chr17-57758668-C-T.
Other names: c.3090C>T, p.Asn1030= (NM_001288653.2); c.3090C>T (NM_001288653.1).
Identifiers: ClinVar variation 1662294 (VCV001662294.26), dbSNP rs141118201, ClinGen allele CA8681531.

ClinVar aggregate classification (germline): Benign/Likely benign. Review status: criteria provided, multiple submitters, no conflicts (2 of 4 stars). 5 submissions from 5 submitters: Benign (1); Likely benign (3). 1 of the submissions does not count toward it. Last evaluated 2026-05-13.

Conditions:
CLTC-related disorder. Also called: CLTC-related condition.

Allele frequency attached by ClinVar (database versions not stated): 1000 Genomes Project 0.00220; gnomAD 0.00233 and 0.00216; TOPMed 0.00236; ESP Exome Variant Server 0.00246; gnomAD exomes 0.00015 and 0.00048; ExAC 0.00060; 1000 Genomes Project 30x 0.00219.
gnomAD v4.1: 556 of 1,592,494 alleles (0.035%); highest among the groups gnomAD compares: African/African-American, 0.67%; 2 homozygotes.

Submissions (5):

Women's Health and Genetics/Laboratory Corporation of America, LabCorp
Classification: Likely benign. Last evaluated: 2026-05-13. Review status: criteria provided, single submitter. Criteria: LabCorp Variant Classification Summary - May 2015. Collection method: clinical testing. Allele origin: germline.

CeGaT Center for Human Genetics Tuebingen
Classification: Likely benign. Last evaluated: 2026-02-01. Review status: criteria provided, single submitter. Criteria: CeGaT Center For Human Genetics Tuebingen Variant Classification Criteria Version 2. Collection method: clinical testing. Allele origin: germline. Affected: yes. Observed: 2 variant alleles.
Comment: CLTC: BP4, BP7, BS1

Labcorp Genetics (formerly Invitae), Labcorp
Classification: Benign. Last evaluated: 2026-01-28. Review status: criteria provided, single submitter. Criteria: Invitae Variant Classification Sherloc (09022015). Collection method: clinical testing. Allele origin: germline.

Blueprint Genetics
Classification: Likely benign. Last evaluated: 2024-05-27. Review status: criteria provided, single submitter. Criteria: ACMG Guidelines, 2015. Collection method: clinical testing. Allele origin: germline.

PreventionGenetics, part of Exact Sciences
Classification: Benign for CLTC-related condition. Last evaluated: 2024-06-03. Review status: no assertion criteria provided. Collection method: clinical testing. Allele origin: germline. Not counted in ClinVar's aggregate classification.
Comment: This variant is classified as benign based on ACMG/AMP sequence variant interpretation guidelines (Richards et al. 2015 PMID: 25741868, with internal and published modifications).